The following is an entry in ClinVar:

ClinVar aggregate classification (germline): Uncertain significance (1 of 4 stars; one submission).

Submission:

Ambry Genetics
Classification: Uncertain significance. Last evaluated: 2026-04-04. Review status: criteria provided, single submitter. Criteria: Ambry Variant Classification Scheme 2023. Collection method: clinical testing. Allele origin: germline.
Comment: The p.S241L variant (also known as c.722C>T), located in coding exon 3 of the GFI1 gene, results from a C to T substitution at nucleotide position 722. The serine at codon 241 is replaced by leucine, an amino acid with dissimilar properties. This amino acid position is conserved. In addition, this alteration is predicted to be tolerated by in silico analysis. Based on the available evidence, the clinical significance of this variant remains unclear.

NM_005263.5(GFI1):c.722C>T (p.Ser241Leu)

Gene: GFI1 (growth factor independent 1 transcriptional repressor; minus strand). Cytogenetic location: 1p22.1.
Variant type: single nucleotide variant.
Coding change: c.722C>T on transcript NM_005263.5 (MANE Select); coding-DNA position 722, C replaced by T.
Protein change: p.Ser241Leu; replaces serine 241 with leucine.
Molecular consequence: missense variant.
Genome position (GRCh38, 1-based): chr1:92,480,665, G>A on the plus strand (C>T on the coding strand, the complement: GFI1 is on the minus strand). VCF-style: chr1-92480665-G-A. GRCh37 (hg19) VCF-style: chr1-92946222-G-A.
Other names: c.722C>T, p.Ser241Leu (NM_001127215.3, NM_001127216.3); short protein forms S241L.
Identifiers: ClinVar variation 4858030 (VCV004858030.1).